The following is an entry in ClinVar:

ClinVar aggregate classification (germline): Uncertain significance. Review status: criteria provided, multiple submitters, no conflicts (2 of 4 stars). 2 submissions from 2 submitters: Uncertain significance (2). Last evaluated 2025-08-02.

Allele frequency attached by ClinVar (database versions not stated): gnomAD 0.00001; gnomAD exomes 0.00004; TOPMed 0.00002.
gnomAD v4.1: 53 of 1,592,222 alleles (0.0033%); highest among the groups gnomAD compares: East Asian, 0.063%; no homozygotes.

Submissions (2):

Labcorp Genetics (formerly Invitae), Labcorp
Classification: Uncertain significance. Last evaluated: 2025-08-02. Review status: criteria provided, single submitter. Criteria: Invitae Variant Classification Sherloc (09022015). Collection method: clinical testing. Allele origin: germline.
Comment: This sequence change replaces arginine, which is basic and polar, with tryptophan, which is neutral and slightly polar, at codon 969 of the DGKZ protein (p.Arg969Trp). This variant is present in population databases (rs753852787, gnomAD 0.08%), and has an allele count higher than expected for a pathogenic variant. This variant has not been reported in the literature in individuals affected with DGKZ-related conditions. ClinVar contains an entry for this variant (Variation ID: 3081990). An algorithm developed to predict the effect of missense changes on protein structure and function (PolyPhen-2) suggests that this variant is likely to be tolerated. In summary, the available evidence is currently insufficient to determine the role of this variant in disease. Therefore, it has been classified as a Variant of Uncertain Significance.

Ambry Genetics
Classification: Uncertain significance. Last evaluated: 2023-11-17. Review status: criteria provided, single submitter. Criteria: Ambry Variant Classification Scheme 2023. Collection method: clinical testing. Allele origin: germline.

NM_001199267.2(DGKZ):c.2338C>T (p.Arg780Trp)

Gene: DGKZ (diacylglycerol kinase zeta; plus strand). Cytogenetic location: 11p11.2.
Variant type: single nucleotide variant.
Coding change: c.2338C>T on transcript NM_001199267.2 (MANE Select); coding-DNA position 2338, C replaced by T.
Protein change: p.Arg780Trp; replaces arginine 780 with tryptophan.
Molecular consequence: missense variant.
Genome position (GRCh38, 1-based): chr11:46,377,211, C>T. VCF-style: chr11-46377211-C-T. GRCh37 (hg19) VCF-style: chr11-46398761-C-T.
Other names: c.2905C>T, p.Arg969Trp (NM_001105540.2); c.2341C>T, p.Arg781Trp (NM_001199266.2, NM_003646.4); c.2272C>T, p.Arg758Trp (NM_001199268.2); c.2389C>T, p.Arg797Trp (NM_201532.3); c.2353C>T, p.Arg785Trp (NM_201533.3); short protein forms R758W, R781W, R785W, R797W, R969W, R780W.
Identifiers: ClinVar variation 3081990 (VCV003081990.3), dbSNP rs753852787, ClinGen allele CA5963176.